The following is an entry in ClinVar:

ClinVar aggregate classification (germline): Conflicting classifications of pathogenicity. Review status: criteria provided, conflicting classifications (1 of 4 stars). 3 submissions from 3 submitters: Uncertain significance (1); Likely benign (2). Last evaluated 2025-08-30.

Conditions:
Hereditary breast ovarian cancer syndrome. Also called: Hereditary breast and ovarian cancer; Hereditary breast and ovarian cancer syndrome; BRCA1- and BRCA2-Associated Hereditary Breast and Ovarian Cancer; Hereditary breast and/or ovarian cancer syndrome; Hereditary breast and ovarian cancer syndrome (HBOC); Breast and ovarian cancer. Identifiers: Orphanet 145, MedGen C0677776, MeSH D061325, MONDO:0003582. Disease mechanism: loss of function.
Hereditary cancer-predisposing syndrome. Also called: Hereditary Cancer Syndrome; Neoplastic Syndromes, Hereditary; Hereditary neoplastic syndrome; Tumor predisposition. Identifiers: Orphanet 140162, MedGen C0027672, MeSH D009386, MONDO:0015356.

Submissions (3):

Color Diagnostics, LLC DBA Color Health
Classification: Likely benign for Hereditary cancer-predisposing syndrome. Last evaluated: 2025-08-30. Review status: criteria provided, single submitter. Criteria: ACMG Guidelines, 2015. Collection method: clinical testing. Allele origin: germline.

Ambry Genetics
Classification: Uncertain significance for Hereditary cancer-predisposing syndrome. Last evaluated: 2025-04-14. Review status: criteria provided, single submitter. Criteria: Ambry Variant Classification Scheme 2023. Collection method: clinical testing. Allele origin: germline.
Comment: The c.7436-5G>A intronic variant results from a G to A substitution 5 nucleotides upstream from coding exon 14 in the BRCA2 gene. This nucleotide position is poorly conserved in available vertebrate species. In silico splice site analysis predicts that this alteration will not have any significant effect on splicing. Based on the available evidence, the clinical significance of this variant remains unclear.

Labcorp Genetics (formerly Invitae), Labcorp
Classification: Likely benign for Hereditary breast ovarian cancer syndrome. Last evaluated: 2021-10-08. Review status: criteria provided, single submitter. Criteria: Invitae Variant Classification Sherloc (09022015). Collection method: clinical testing. Allele origin: germline.

NM_000059.4(BRCA2):c.7436-5G>A

Gene: BRCA2 (BRCA2 DNA repair associated; plus strand). Cytogenetic location: 13q13.1.
Variant type: single nucleotide variant.
Coding change: c.7436-5G>A on transcript NM_000059.4 (MANE Select); 5 bases into the intron before coding-DNA position 7436, G replaced by A.
Molecular consequence: intron variant.
Genome position (GRCh38, 1-based): chr13:32,356,423, G>A. VCF-style: chr13-32356423-G-A. GRCh37 (hg19) VCF-style: chr13-32930560-G-A.
Other names: c.7436-5G>A (NM_000059.3).
Identifiers: ClinVar variation 1091850 (VCV001091850.10), dbSNP rs2137561628, ClinGen allele CA2499222287.